The following is an entry in ClinVar:

NM_001130823.3(DNMT1):c.683+16A>C

Gene: DNMT1 (DNA methyltransferase 1; minus strand). Cytogenetic location: 19p13.2.
Variant type: single nucleotide variant.
Coding change: c.683+16A>C on transcript NM_001130823.3 (MANE Select); 16 bases into the intron after coding-DNA position 683, A replaced by C.
Molecular consequence: intron variant.
Genome position (GRCh38, 1-based): chr19:10,173,855, T>G on the plus strand (A>C on the coding strand, the complement: DNMT1 is on the minus strand). VCF-style: chr19-10173855-T-G. GRCh37 (hg19) VCF-style: chr19-10284531-T-G.
Other names: c.320+16A>C (NM_001318731.2); c.635+16A>C (NM_001379.4, NM_001318730.2); c.683+16A>C (LRG_362t1).
Identifiers: ClinVar variation 509544 (VCV000509544.10), dbSNP rs370399482, ClinGen allele CA9188657.
Genomic context (GRCh38, chr19:10,173,855, plus strand): 5'-AACTTTCTGAAAAAGTTTTGTGATCAAGATTACACAACTCGTAGAACAAAAAGAAAGGTA[T>G]AGTAACTATTCTTACCGTTCTCTGGATGTAACTCTACGTCTCTTCTCATCCTGTGTGGAG-3'

ClinVar aggregate classification (germline): Benign/Likely benign. Review status: criteria provided, multiple submitters, no conflicts (2 of 4 stars). 3 submissions from 3 submitters: Benign (1); Likely benign (2). Last evaluated 2026-01-15.

Conditions:
Hereditary sensory neuropathy-deafness-dementia syndrome. Also called: Hereditary sensory neuropathy type IE; HSN IE; Hereditary Sensory and Autonomic Neuropathy Type 1E (HSAN1E); NEUROPATHY, HEREDITARY SENSORY, WITH HEARING LOSS AND DEMENTIA. Identifiers: Orphanet 456318, MedGen C3279885, MONDO:0013584, OMIM 614116.

Allele frequency attached by ClinVar (database versions not stated): gnomAD exomes 0.00021; ExAC 0.00031; 1000 Genomes Project 0.00060; 1000 Genomes Project 30x 0.00062; gnomAD 0.00109 and 0.00119; TOPMed 0.00116; ESP Exome Variant Server 0.00138.
gnomAD v4.1: 305 of 1,613,532 alleles (0.019%); highest among the groups gnomAD compares: African/African-American, 0.38%; 3 homozygotes.

Submissions (3):

Labcorp Genetics (formerly Invitae), Labcorp
Classification: Benign for Hereditary sensory neuropathy-deafness-dementia syndrome. Last evaluated: 2026-01-15. Review status: criteria provided, single submitter. Criteria: Invitae Variant Classification Sherloc (09022015). Collection method: clinical testing. Allele origin: germline.

Blueprint Genetics
Classification: Likely benign. Last evaluated: 2023-04-17. Review status: criteria provided, single submitter. Criteria: ACMG Guidelines, 2015. Collection method: clinical testing. Allele origin: germline.

GeneDx
Classification: Likely benign. Last evaluated: 2017-05-17. Review status: criteria provided, single submitter. Criteria: GeneDx Variant Classification (06012015). Collection method: clinical testing. Allele origin: germline. Affected: yes.
Comment: This variant is considered likely benign or benign based on one or more of the following criteria: it is a conservative change, it occurs at a poorly conserved position in the protein, it is predicted to be benign by multiple in silico algorithms, and/or has population frequency not consistent with disease.